The following is an entry in ClinVar:

NM_138694.4(PKHD1):c.10388T>A (p.Leu3463Ter)

Gene: PKHD1 (PKHD1 ciliary IPT domain containing fibrocystin/polyductin; minus strand). Cytogenetic location: 6p12.3.
Variant type: single nucleotide variant.
Coding change: c.10388T>A on transcript NM_138694.4 (MANE Select); coding-DNA position 10388, T replaced by A.
Protein change: p.Leu3463Ter; replaces leucine 3463 with a stop codon.
Molecular consequence: nonsense.
Genome position (GRCh38, 1-based): chr6:51,659,738, A>T on the plus strand (T>A on the coding strand, the complement: PKHD1 is on the minus strand). VCF-style: chr6-51659738-A-T. GRCh37 (hg19) VCF-style: chr6-51524536-A-T.
Other names: short protein forms L3463*.
Identifiers: ClinVar variation 1878318 (VCV001878318.1), dbSNP rs1772516071, ClinGen allele CA364435908.
Genomic context (GRCh38, chr6:51,659,738, plus strand): 5'-AAGCGCAAAACTTGAGGAGTTTGATCCATGAAGCAGACTTTGGTGATTTGCCTGATGGGT[A>T]AGATAGAATAGAAAGTAGACACTGACCCAGAAGTAGAGCAGGGAATATTGGCATTTACAC-3'

ClinVar aggregate classification (germline): Likely pathogenic (1 of 4 stars; one submission).

Conditions:
Autosomal recessive polycystic kidney disease (ARPKD). Also called: AR polycystic kidney disease. Identifiers: Orphanet 731, Orphanet 8378, MedGen C0085548, MeSH D017044, MONDO:0009889.

Submission:

Women's Health and Genetics/Laboratory Corporation of America, LabCorp
Classification: Likely pathogenic for Autosomal recessive polycystic kidney disease. Last evaluated: 2022-12-15. Review status: criteria provided, single submitter. Criteria: LabCorp Variant Classification Summary - May 2015. Collection method: clinical testing. Allele origin: germline.
Comment: Variant summary: PKHD1 c.10388T>A (p.Leu3463X) results in a premature termination codon, predicted to cause a truncation of the encoded protein or absence of the protein due to nonsense mediated decay, which are commonly known mechanisms for disease. Truncations downstream of this position have been classified as pathogenic by our laboratory. The variant was absent in 250884 control chromosomes (gnomAD). To our knowledge, no occurrence of c.10388T>A in individuals affected with Polycystic Kidney and Hepatic Disease and no experimental evidence demonstrating its impact on protein function have been reported. No clinical diagnostic laboratories have submitted clinical-significance assessments for this variant to ClinVar after 2014. Based on the evidence outlined above, the variant was classified as likely pathogenic.